The following is an entry in ClinVar:

NM_020401.4(NUP107):c.1159C>G (p.Pro387Ala)

Gene: NUP107 (nucleoporin 107; plus strand). Cytogenetic location: 12q15.
Variant type: single nucleotide variant.
Coding change: c.1159C>G on transcript NM_020401.4 (MANE Select); coding-DNA position 1159, C replaced by G.
Protein change: p.Pro387Ala; replaces proline 387 with alanine.
Molecular consequence: missense variant.
Genome position (GRCh38, 1-based): chr12:68,719,416, C>G. VCF-style: chr12-68719416-C-G. GRCh37 (hg19) VCF-style: chr12-69113196-C-G.
Other names: c.1072C>G, p.Pro358Ala (NM_001330192.2); short protein forms P358A, P387A.
Identifiers: ClinVar variation 1963475 (VCV001963475.5), dbSNP rs772974919, ClinGen allele CA6677673.

ClinVar aggregate classification (germline): Uncertain significance (1 of 4 stars; one submission).

Allele frequency attached by ClinVar (database versions not stated): gnomAD 0.00001; gnomAD exomes 0.00001; ExAC 0.00002.
gnomAD v4.1: 13 of 1,613,700 alleles (0.00081%); highest among the groups gnomAD compares: South Asian, 0.0077%; no homozygotes.

Submission:

Labcorp Genetics (formerly Invitae), Labcorp
Classification: Uncertain significance. Last evaluated: 2022-01-17. Review status: criteria provided, single submitter. Criteria: Invitae Variant Classification Sherloc (09022015). Collection method: clinical testing. Allele origin: germline.
Comment: In summary, the available evidence is currently insufficient to determine the role of this variant in disease. Therefore, it has been classified as a Variant of Uncertain Significance. This sequence change replaces proline, which is neutral and non-polar, with alanine, which is neutral and non-polar, at codon 387 of the NUP107 protein (p.Pro387Ala). This variant is present in population databases (rs772974919, gnomAD 0.01%). This variant has not been reported in the literature in individuals affected with NUP107-related conditions. Algorithms developed to predict the effect of missense changes on protein structure and function are either unavailable or do not agree on the potential impact of this missense change (SIFT: "Not Available"; PolyPhen-2: "Benign"; Align-GVGD: "Not Available").